The following is an entry in ClinVar:

NM_006016.6(CD164):c.303A>T (p.Gln101His)

Gene: CD164 (CD164 molecule; minus strand). Cytogenetic location: 6q21.
Variant type: single nucleotide variant.
Coding change: c.303A>T on transcript NM_006016.6 (MANE Select); coding-DNA position 303, A replaced by T.
Protein change: p.Gln101His; replaces glutamine 101 with histidine.
Molecular consequence: missense variant.
Genome position (GRCh38, 1-based): chr6:109,377,928, T>A on the plus strand (A>T on the coding strand, the complement: CD164 is on the minus strand). VCF-style: chr6-109377928-T-A. GRCh37 (hg19) VCF-style: chr6-109699131-T-A.
Other names: c.303A>T, p.Gln101His (NM_001142401.3, NM_001142402.3, NM_001142403.3 and 1 more transcripts); c.201A>T, p.Gln67His (NM_001346500.2); short protein forms Q67H, Q101H.
Identifiers: ClinVar variation 3005718 (VCV003005718.3), dbSNP rs752639259, ClinGen allele CA365197656.

ClinVar aggregate classification (germline): Uncertain significance (1 of 4 stars; one submission).

Submission:

Labcorp Genetics (formerly Invitae), Labcorp
Classification: Uncertain significance. Last evaluated: 2022-12-04. Review status: criteria provided, single submitter. Criteria: Invitae Variant Classification Sherloc (09022015). Collection method: clinical testing. Allele origin: germline.
Comment: In summary, the available evidence is currently insufficient to determine the role of this variant in disease. Therefore, it has been classified as a Variant of Uncertain Significance. Algorithms developed to predict the effect of missense changes on protein structure and function output the following: SIFT: "Tolerated"; PolyPhen-2: "Probably Damaging"; Align-GVGD: "Class C0". The histidine amino acid residue is found in multiple mammalian species, which suggests that this missense change does not adversely affect protein function. This variant has not been reported in the literature in individuals affected with CD164-related conditions. This variant is not present in population databases (gnomAD no frequency). This sequence change replaces glutamine, which is neutral and polar, with histidine, which is basic and polar, at codon 101 of the CD164 protein (p.Gln101His).